The following is an entry in ClinVar:

ClinVar aggregate classification (germline): Uncertain significance (1 of 4 stars; one submission).

gnomAD v4.1: 1 of 1,613,982 alleles (0.000062%); highest among the groups gnomAD compares: Non-Finnish European, 0.000085%; no homozygotes.

Submission:

Labcorp Genetics (formerly Invitae), Labcorp
Classification: Uncertain significance. Last evaluated: 2025-01-11. Review status: criteria provided, single submitter. Criteria: Invitae Variant Classification Sherloc (09022015). Collection method: clinical testing. Allele origin: germline.
Comment: This sequence change affects an acceptor splice site in intron 8 of the DNAJC17 gene. It is expected to disrupt RNA splicing. Variants that disrupt the donor or acceptor splice site typically lead to a loss of protein function (PMID: 16199547), however the current clinical and genetic evidence is not sufficient to establish whether loss-of-function variants in DNAJC17 cause disease. This variant is present in population databases (no rsID available, gnomAD 0.007%). This variant has not been reported in the literature in individuals affected with DNAJC17-related conditions. Algorithms developed to predict the effect of sequence changes on RNA splicing suggest that this variant may disrupt the consensus splice site. In summary, the available evidence is currently insufficient to determine the role of this variant in disease. Therefore, it has been classified as a Variant of Uncertain Significance.

Literature cited by the submitters: PubMed 16199547.

NM_018163.3(DNAJC17):c.601-1G>A

Gene: DNAJC17 (DnaJ heat shock protein family (Hsp40) member C17; minus strand). Cytogenetic location: 15q15.1.
Variant type: single nucleotide variant.
Coding change: c.601-1G>A on transcript NM_018163.3 (MANE Select); the canonical splice acceptor site of the intron before coding-DNA position 601, G replaced by A.
Molecular consequence: splice acceptor variant.
Genome position (GRCh38, 1-based): chr15:40,774,437, C>T on the plus strand (G>A on the coding strand, the complement: DNAJC17 is on the minus strand). VCF-style: chr15-40774437-C-T. GRCh37 (hg19) VCF-style: chr15-41066635-C-T.
Identifiers: ClinVar variation 3677126 (VCV003677126.2).